The following is an entry in ClinVar:

NM_015065.3(EXPH5):c.2967A>G (p.Thr989=)

Gene: EXPH5 (exophilin 5; minus strand). Cytogenetic location: 11q22.3.
Variant type: single nucleotide variant.
Coding change: c.2967A>G on transcript NM_015065.3 (MANE Select); coding-DNA position 2967, A replaced by G.
Protein change: p.Thr989=; no amino-acid change (threonine 989 retained).
Molecular consequence: synonymous variant.
Genome position (GRCh38, 1-based): chr11:108,512,540, T>C on the plus strand (A>G on the coding strand, the complement: EXPH5 is on the minus strand). VCF-style: chr11-108512540-T-C. GRCh37 (hg19) VCF-style: chr11-108383267-T-C.
Other names: c.2967A>G (NM_015065.2); c.2739A>G, p.Thr913= (NM_001144763.2); c.2499A>G, p.Thr833= (NM_001144764.2); c.2403A>G, p.Thr801= (NM_001144765.2); c.2946A>G, p.Thr982= (NM_001308019.2).
Identifiers: ClinVar variation 1599133 (VCV001599133.33), dbSNP rs138252898, ClinGen allele CA6267782.

ClinVar aggregate classification (germline): Benign/Likely benign. Review status: criteria provided, multiple submitters, no conflicts (2 of 4 stars). 3 submissions from 3 submitters: Benign (1); Likely benign (2). Last evaluated 2025-06-20.

Conditions:
EXPH5-related disorder. Also called: EXPH5-related condition.

Allele frequency attached by ClinVar (database versions not stated): 1000 Genomes Project 0.00020; 1000 Genomes Project 30x 0.00031; ExAC 0.00094; gnomAD exomes 0.00103 and 0.00178; TOPMed 0.00118; gnomAD 0.00130 and 0.00138; ESP Exome Variant Server 0.00177.
gnomAD v4.1: 2,762 of 1,612,464 alleles (0.17%); highest among the groups gnomAD compares: Non-Finnish European, 0.21%; 8 homozygotes.

Submissions (3):

Labcorp Genetics (formerly Invitae), Labcorp
Classification: Benign. Last evaluated: 2025-06-20. Review status: criteria provided, single submitter. Criteria: Invitae Variant Classification Sherloc (09022015). Collection method: clinical testing. Allele origin: germline.

PreventionGenetics, part of Exact Sciences
Classification: Likely benign for EXPH5-related condition. Last evaluated: 2024-11-08. Review status: criteria provided, single submitter. Criteria: ACMG Guidelines, 2015. Collection method: clinical testing. Allele origin: germline.
Comment: This variant is classified as likely benign based on ACMG/AMP sequence variant interpretation guidelines (Richards et al. 2015 PMID: 25741868, with internal and published modifications).

CeGaT Center for Human Genetics Tuebingen
Classification: Likely benign. Last evaluated: 2023-01-01. Review status: criteria provided, single submitter. Criteria: CeGaT Center For Human Genetics Tuebingen Variant Classification Criteria Version 2. Collection method: clinical testing. Allele origin: germline. Affected: yes. Observed: 1 variant allele.
Comment: EXPH5: BP4, BP7, BS2